The following is an entry in ClinVar:

NM_017849.4(TMEM127):c.556G>A (p.Ala186Thr)

Gene: TMEM127 (transmembrane protein 127; minus strand). Cytogenetic location: 2q11.2.
Variant type: single nucleotide variant.
Coding change: c.556G>A on transcript NM_017849.4 (MANE Select); coding-DNA position 556, G replaced by A.
Protein change: p.Ala186Thr; replaces alanine 186 with threonine.
Molecular consequence: missense variant.
Genome position (GRCh38, 1-based): chr2:96,253,969, C>T on the plus strand (G>A on the coding strand, the complement: TMEM127 is on the minus strand). VCF-style: chr2-96253969-C-T. GRCh37 (hg19) VCF-style: chr2-96919707-C-T.
Other names: c.556G>A, p.Ala186Thr (NM_001193304.3); c.304G>A, p.Ala102Thr (NM_001407282.1, NM_001407283.1); short protein forms A102T, A186T.
Identifiers: ClinVar variation 2448383 (VCV002448383.2), dbSNP rs764012422, ClinGen allele CA347652374.

ClinVar aggregate classification (germline): Uncertain significance (1 of 4 stars; one submission).

Conditions:
Hereditary cancer-predisposing syndrome. Also called: Neoplastic Syndromes, Hereditary; Hereditary Cancer Syndrome; Tumor predisposition; Hereditary neoplastic syndrome. Identifiers: Orphanet 140162, MedGen C0027672, MeSH D009386, MONDO:0015356.

Submission:

Ambry Genetics
Classification: Uncertain significance for Hereditary cancer-predisposing syndrome. Last evaluated: 2023-01-17. Review status: criteria provided, single submitter. Criteria: Ambry Variant Classification Scheme 2023. Collection method: clinical testing. Allele origin: germline.
Comment: The p.A186T variant (also known as c.556G>A), located in coding exon 3 of the TMEM127 gene, results from a G to A substitution at nucleotide position 556. The alanine at codon 186 is replaced by threonine, an amino acid with similar properties. This amino acid position is conserved. In addition, this alteration is predicted to be deleterious by in silico analysis. Since supporting evidence is limited at this time, the clinical significance of this alteration remains unclear.